The following is an entry in ClinVar:

NM_205836.3(FBXO38):c.2981C>T (p.Pro994Leu)

Gene: FBXO38 (F-box protein 38; plus strand). Cytogenetic location: 5q32.
Variant type: single nucleotide variant.
Coding change: c.2981C>T on transcript NM_205836.3 (MANE Select); coding-DNA position 2981, C replaced by T.
Protein change: p.Pro994Leu; replaces proline 994 with leucine.
Molecular consequence: missense variant.
Genome position (GRCh38, 1-based): chr5:148,438,455, C>T. VCF-style: chr5-148438455-C-T. GRCh37 (hg19) VCF-style: chr5-147818018-C-T.
Other names: c.2246C>T, p.Pro749Leu (NM_001271723.2); c.2756C>T, p.Pro919Leu (NM_030793.5); short protein forms P994L, P749L, P919L.
Identifiers: ClinVar variation 2864765 (VCV002864765.3), dbSNP rs2531853195, ClinGen allele CA361660547.

ClinVar aggregate classification (germline): Uncertain significance (1 of 4 stars; one submission).

Conditions:
Distal hereditary motor neuropathy type 2. Identifiers: Orphanet 139525, MedGen C3711384, MeSH C580044, MONDO:0015352.

Submission:

Labcorp Genetics (formerly Invitae), Labcorp
Classification: Uncertain significance for Distal hereditary motor neuropathy type 2. Last evaluated: 2023-05-16. Review status: criteria provided, single submitter. Criteria: Invitae Variant Classification Sherloc (09022015). Collection method: clinical testing. Allele origin: germline.
Comment: An algorithm developed to predict the effect of missense changes on protein structure and function (PolyPhen-2) suggests that this variant is likely to be disruptive. This variant has not been reported in the literature in individuals affected with FBXO38-related conditions. This variant is not present in population databases (gnomAD no frequency). This sequence change replaces proline, which is neutral and non-polar, with leucine, which is neutral and non-polar, at codon 919 of the FBXO38 protein (p.Pro919Leu). In summary, the available evidence is currently insufficient to determine the role of this variant in disease. Therefore, it has been classified as a Variant of Uncertain Significance.